The following is an entry in ClinVar:

ClinVar aggregate classification (germline): Uncertain significance. Review status: criteria provided, multiple submitters, no conflicts (2 of 4 stars). 2 submissions from 2 submitters: Uncertain significance (2). Last evaluated 2025-02-10.

Allele frequency attached by ClinVar (database versions not stated): gnomAD exomes below 0.00001; ExAC 0.00001; gnomAD 0.00002.
gnomAD v4.1: 12 of 1,586,366 alleles (0.00076%); highest among the groups gnomAD compares: South Asian, 0.0047%; no homozygotes.

Submissions (2):

Labcorp Genetics (formerly Invitae), Labcorp
Classification: Uncertain significance. Last evaluated: 2025-02-10. Review status: criteria provided, single submitter. Criteria: Invitae Variant Classification Sherloc (09022015). Collection method: clinical testing. Allele origin: germline.
Comment: This sequence change replaces serine, which is neutral and polar, with proline, which is neutral and non-polar, at codon 230 of the ATRIP protein (p.Ser230Pro). The frequency data for this variant in the population databases is considered unreliable, as metrics indicate poor data quality at this position in the gnomAD database. This variant has not been reported in the literature in individuals affected with ATRIP-related conditions. ClinVar contains an entry for this variant (Variation ID: 1898505). An algorithm developed to predict the effect of missense changes on protein structure and function (PolyPhen-2) suggests that this variant is likely to be disruptive. In summary, the available evidence is currently insufficient to determine the role of this variant in disease. Therefore, it has been classified as a Variant of Uncertain Significance.

Ambry Genetics
Classification: Uncertain significance. Last evaluated: 2025-01-03. Review status: criteria provided, single submitter. Criteria: Ambry Variant Classification Scheme 2023. Collection method: clinical testing. Allele origin: germline.
Comment: The p.S230P variant (also known as c.688T>C), located in coding exon 5 of the ATRIP gene, results from a T to C substitution at nucleotide position 688. The serine at codon 230 is replaced by proline, an amino acid with similar properties. This amino acid position is conserved. In addition, this alteration is predicted to be tolerated by in silico analysis. Based on the available evidence, the clinical significance of this variant remains unclear.

NM_130384.3(ATRIP):c.688T>C (p.Ser230Pro)

Genes: ATRIP (ATR interacting protein; plus strand), ATRIP-TREX1 (ATRIP-TREX1 readthrough; plus strand). Cytogenetic location: 3p21.31.
Variant type: single nucleotide variant.
Coding change: c.688T>C on transcript NM_130384.3 (MANE Select); coding-DNA position 688, T replaced by C.
Protein change: p.Ser230Pro; replaces serine 230 with proline.
Molecular consequence: missense variant. On other transcripts: non-coding transcript variant (1).
Genome position (GRCh38, 1-based): chr3:48,457,275, T>C. VCF-style: chr3-48457275-T-C. GRCh37 (hg19) VCF-style: chr3-48498675-T-C.
Other names: c.688T>C (NM_130384.1); c.307T>C, p.Ser103Pro (NM_001271022.2); c.409T>C, p.Ser137Pro (NM_001271023.2); c.688T>C, p.Ser230Pro (NM_032166.4); short protein forms S137P, S103P, S230P.
Identifiers: ClinVar variation 1898505 (VCV001898505.7), dbSNP rs758069598, ClinGen allele CA2376033.